The following is an entry in ClinVar:

ClinVar aggregate classification (germline): Uncertain significance. Review status: criteria provided, multiple submitters, no conflicts (2 of 4 stars). 2 submissions from 2 submitters: Uncertain significance (2). Last evaluated 2023-06-12.

Conditions:
Inborn genetic diseases. Identifiers: MedGen C0950123, MeSH D030342.

Allele frequency attached by ClinVar (database versions not stated): gnomAD exomes 0.00002; ExAC 0.00003; gnomAD 0.00003; TOPMed 0.00005.
gnomAD v4.1: 30 of 1,613,192 alleles (0.0019%); highest among the groups gnomAD compares: South Asian, 0.0033%; no homozygotes.

Submissions (2):

Ambry Genetics
Classification: Uncertain significance for Inborn genetic diseases. Last evaluated: 2023-06-12. Review status: criteria provided, single submitter. Criteria: Ambry Variant Classification Scheme 2023. Collection method: clinical testing. Allele origin: germline.

Centre of Medical Genetics, University Hospital Muenster
Classification: Uncertain significance. Last evaluated: 2023-01-31. Review status: criteria provided, single submitter. Criteria: ACMG Guidelines, 2015. Collection method: clinical testing. Allele origin: unknown. Affected: yes. Observed: 1 variant allele, 1 heterozygote.
Comment: ACMG categories: PP3,BP1

NM_194454.3(KRIT1):c.1453C>T (p.Arg485Cys)

Gene: KRIT1 (KRIT1 ankyrin repeat containing; minus strand). Cytogenetic location: 7q21.2.
Variant type: single nucleotide variant.
Coding change: c.1453C>T on transcript NM_194454.3 (MANE Select); coding-DNA position 1453, C replaced by T.
Protein change: p.Arg485Cys; replaces arginine 485 with cysteine.
Molecular consequence: missense variant.
Genome position (GRCh38, 1-based): chr7:92,222,012, G>A on the plus strand (C>T on the coding strand, the complement: KRIT1 is on the minus strand). VCF-style: chr7-92222012-G-A. GRCh37 (hg19) VCF-style: chr7-91851326-G-A.
Other names: c.1309C>T, p.Arg437Cys (NM_001013406.2, NM_001350669.1, NM_001350670.1); c.739C>T, p.Arg247Cys (NM_001350671.1); c.1453C>T, p.Arg485Cys (NM_001350672.1, NM_001350673.1, NM_001350674.1 and 26 more transcripts); short protein forms R247C, R437C, R485C.
Identifiers: ClinVar variation 2430327 (VCV002430327.4), dbSNP rs557519259, ClinGen allele CA4339101.
Genomic context (GRCh38, chr7:92,222,012, plus strand): 5'-GAGGTGTTTCCCTTTGAGGATCCAGATTAGTCAATTCAGCAAGTATTTCTGGCCAGTCAC[G>A]AACATGTTGCAAGGGTTTATGATATGGTTTGAGTTGAAGGCCTGAAAAACATCATTCCTT-3'
Protein context (NP_919436.1, residues 475-495): KPYHKPLQHV[Arg485Cys]DWPEILAELT